The following is an entry in ClinVar:

ClinVar aggregate classification (germline): Uncertain significance (1 of 4 stars; one submission).

Conditions:
Rubinstein-Taybi syndrome due to EP300 haploinsufficiency. Also called: EP300-Related Rubinstein-Taybi Syndrome; RUBINSTEIN-TAYBI SYNDROME 2. Identifiers: Orphanet 353284, Orphanet 783, MedGen C3150941, MONDO:0013364, OMIM 613684.

Allele frequency attached by ClinVar (database versions not stated): gnomAD exomes below 0.00001.

Submission:

Labcorp Genetics (formerly Invitae), Labcorp
Classification: Uncertain significance for Rubinstein-Taybi syndrome due to EP300 haploinsufficiency. Last evaluated: 2021-10-22. Review status: criteria provided, single submitter. Criteria: Invitae Variant Classification Sherloc (09022015). Collection method: clinical testing. Allele origin: germline.
Comment: This sequence change replaces methionine with leucine at codon 1654 of the EP300 protein (p.Met1654Leu). The methionine residue is highly conserved and there is a small physicochemical difference between methionine and leucine. This variant is not present in population databases (ExAC no frequency). This variant has not been reported in the literature in individuals affected with EP300-related conditions. Advanced modeling of protein sequence and biophysical properties (such as structural, functional, and spatial information, amino acid conservation, physicochemical variation, residue mobility, and thermodynamic stability) performed at Invitae indicates that this missense variant is not expected to disrupt EP300 protein function. In summary, the available evidence is currently insufficient to determine the role of this variant in disease. Therefore, it has been classified as a Variant of Uncertain Significance.

NM_001429.4(EP300):c.4960A>C (p.Met1654Leu)

Gene: EP300 (EP300 lysine acetyltransferase; plus strand). Cytogenetic location: 22q13.2.
Variant type: single nucleotide variant.
Coding change: c.4960A>C on transcript NM_001429.4 (MANE Select); coding-DNA position 4960, A replaced by C.
Protein change: p.Met1654Leu; replaces methionine 1654 with leucine.
Molecular consequence: missense variant.
Genome position (GRCh38, 1-based): chr22:41,176,427, A>C. VCF-style: chr22-41176427-A-C. GRCh37 (hg19) VCF-style: chr22-41572431-A-C.
Other names: c.4882A>C, p.Met1628Leu (NM_001362843.2); short protein forms M1654L, M1628L.
Identifiers: ClinVar variation 1958523 (VCV001958523.2), dbSNP rs1319384976, ClinGen allele CA411707442.